The following is an entry in ClinVar:

ClinVar aggregate classification (germline): Likely pathogenic (1 of 4 stars; one submission).

Conditions:
Encephalopathy due to GLUT1 deficiency. Also called: Glucose transporter protein syndrome; De Vivo disease; Classic Glucose Transporter Type 1 Deficiency Syndrome; GLUCOSE TRANSPORT DEFECT, BLOOD-BRAIN BARRIER; GLUT1 deficiency syndrome 1, infantile onset, severe; GLUT1 deficiency syndrome 1. Identifiers: Orphanet 71277, MedGen C4551966, MONDO:0011724, OMIM 606777.

Submission:

Broad Center for Mendelian Genomics, Broad Institute of MIT and Harvard
Classification: Likely pathogenic for Encephalopathy due to GLUT1 deficiency. Last evaluated: 2018-06-15. Review status: criteria provided, single submitter. Criteria: ACMG Guidelines, 2015. Collection method: research. Allele origin: germline. Inheritance: Autosomal dominant inheritance. Affected: yes.
Comment: Trio exome analysis showed this variant to be de novo. This variant was absent from large population studies. In summary, although additional studies are required to fully establish its pathogenicity, this variant is likely pathogenic.

NM_006516.4(SLC2A1):c.621_629del (p.Glu209_Pro211del)

Gene: SLC2A1 (solute carrier family 2 member 1; minus strand). Cytogenetic location: 1p34.2.
Variant type: Deletion.
Coding change: c.621_629del on transcript NM_006516.4 (MANE Select); coding-DNA positions 621 to 629, 9 bases deleted (CCCCGAGAG; older notation c.621_629delCCCCGAGAG).
Protein change: p.Glu209_Pro211del.
Molecular consequence: inframe deletion.
Genome position (GRCh38, 1-based): chr1:42,929,923-42,929,931, CTCTCGGGG deleted on the plus strand (CCCCGAGAG on the coding strand, the reverse complement: SLC2A1 is on the minus strand); deleting any 9 consecutive bases within chr1:42,929,923-42,929,932 gives the same sequence; the c. name uses the placement nearest the transcript's 3' end. VCF-style (leftmost placement, unchanged base first): chr1-42929922-ACTCTCGGGG-A. GRCh37 (hg19) VCF-style: chr1-43395593-ACTCTCGGGG-A.
Identifiers: ClinVar variation 635052 (VCV000635052.1), dbSNP rs1557646075, ClinGen allele CA658795141.